The following is an entry in ClinVar:

NM_001943.5(DSG2):c.45+2T>C

Genes: DSG2 (desmoglein 2; plus strand), LOC130062340 (ATAC-STARR-seq lymphoblastoid silent region 9384; plus strand). Cytogenetic location: 18q12.1.
Variant type: single nucleotide variant.
Coding change: c.45+2T>C on transcript NM_001943.5 (MANE Select); the canonical splice donor site of the intron after coding-DNA position 45, T replaced by C.
Molecular consequence: splice donor variant.
Genome position (GRCh38, 1-based): chr18:31,498,298, T>C. VCF-style: chr18-31498298-T-C. GRCh37 (hg19) VCF-style: chr18-29078261-T-C.
Identifiers: ClinVar variation 2913240 (VCV002913240.3), dbSNP rs2510903672, ClinGen allele CA402127674.

ClinVar aggregate classification (germline): Likely pathogenic (1 of 4 stars; one submission).

Conditions:
Arrhythmogenic right ventricular dysplasia 10. Also called: Arrhythmogenic Right Ventricular Dysplasia/Cardiomyopathy10; ARRHYTHMOGENIC RIGHT VENTRICULAR DYSPLASIA, FAMILIAL, 10; Arrhythmogenic right ventricular dysplasia/cardiomyopathy, type 10. Identifiers: MedGen C1857777, MONDO:0012434, OMIM 610193.

Submission:

Labcorp Genetics (formerly Invitae), Labcorp
Classification: Likely pathogenic for Arrhythmogenic right ventricular dysplasia 10. Last evaluated: 2023-10-23. Review status: criteria provided, single submitter. Criteria: Invitae Variant Classification Sherloc (09022015). Collection method: clinical testing. Allele origin: germline.
Comment: This sequence change affects a donor splice site in intron 1 of the DSG2 gene. It is expected to disrupt RNA splicing. Variants that disrupt the donor or acceptor splice site typically lead to a loss of protein function (PMID: 16199547), and loss-of-function variants in DSG2 are known to be pathogenic (PMID: 17105751, 31386562). This variant is not present in population databases (gnomAD no frequency). This variant has not been reported in the literature in individuals affected with DSG2-related conditions. Algorithms developed to predict the effect of sequence changes on RNA splicing suggest that this variant may disrupt the consensus splice site. In summary, the currently available evidence indicates that the variant is pathogenic, but additional data are needed to prove that conclusively. Therefore, this variant has been classified as Likely Pathogenic.

Literature cited by the submitters: PubMed 16199547; PubMed 17105751; PubMed 31386562.